The following is an entry in ClinVar:

ClinVar aggregate classification (germline): Uncertain significance (1 of 4 stars; one submission).

Conditions:
HNSHA due to aldolase A deficiency (GSD12). Also called: GLYCOGEN STORAGE DISEASE XII; GSD XII; RED CELL ALDOLASE DEFICIENCY; Glycogen storage disease due to aldolase A deficiency. Identifiers: Orphanet 57, MedGen C0272066, MONDO:0012747, OMIM 611881.

Allele frequency attached by ClinVar (database versions not stated): gnomAD exomes below 0.00001.
gnomAD v4.1: 1 of 1,613,616 alleles (0.000062%); highest among the groups gnomAD compares: Non-Finnish European, 0.000085%; no homozygotes.

Submission:

Labcorp Genetics (formerly Invitae), Labcorp
Classification: Uncertain significance for HNSHA due to aldolase A deficiency. Last evaluated: 2023-12-19. Review status: criteria provided, single submitter. Criteria: Invitae Variant Classification Sherloc (09022015). Collection method: clinical testing. Allele origin: germline.
Comment: This sequence change replaces threonine, which is neutral and polar, with isoleucine, which is neutral and non-polar, at codon 52 of the ALDOA protein (p.Thr52Ile). This variant is not present in population databases (gnomAD no frequency). This variant has not been reported in the literature in individuals affected with ALDOA-related conditions. An algorithm developed to predict the effect of missense changes on protein structure and function (PolyPhen-2) suggests that this variant is likely to be tolerated. In summary, the available evidence is currently insufficient to determine the role of this variant in disease. Therefore, it has been classified as a Variant of Uncertain Significance.

NM_001243177.4(ALDOA):c.317C>T (p.Thr106Ile)

Genes: ALDOA (aldolase, fructose-bisphosphate A; plus strand), LOC112694756 (uncharaterized LOC112694756; plus strand). Cytogenetic location: 16p11.2.
Variant type: single nucleotide variant.
Coding change: c.317C>T on transcript NM_001243177.4 (MANE Select); coding-DNA position 317, C replaced by T.
Protein change: p.Thr106Ile; replaces threonine 106 with isoleucine.
Molecular consequence: missense variant. On other transcripts: 3 prime UTR variant (3).
Genome position (GRCh38, 1-based): chr16:30,067,492, C>T. VCF-style: chr16-30067492-C-T. GRCh37 (hg19) VCF-style: chr16-30078813-C-T.
Other names: c.*664C>T (NM_001365304.2, NM_001365305.2, NM_001365307.2); c.155C>T, p.Thr52Ile (NM_001127617.2, NM_184041.5, NM_184043.2); short protein forms T52I, T106I.
Identifiers: ClinVar variation 2788160 (VCV002788160.3), dbSNP rs1343304938, ClinGen allele CA395485842.
Genomic context (GRCh38, chr16:30,067,492, plus strand): 5'-CCCATGTGACACTCCCAGGGAGCATTGCCAAGCGGCTGCAGTCCATTGGCACCGAGAACA[C>T]CGAGGAGAACCGGCGCTTCTACCGCCAGCTGCTGCTGACAGCTGACGACCGCGTGAACCC-3'
Protein context (NP_001230106.1, residues 96-116): KRLQSIGTEN[Thr106Ile]EENRRFYRQL